The following is an entry in ClinVar:

ClinVar aggregate classification (germline): Benign. Review status: criteria provided, multiple submitters, no conflicts (2 of 4 stars). 2 submissions from 2 submitters: Benign (2). Last evaluated 2018-01-12.

Conditions:
ALG9 congenital disorder of glycosylation (CDG1L). Also called: CDG Il; CONGENITAL DISORDER OF GLYCOSYLATION, TYPE Il; ALG9-CDG. Identifiers: Orphanet 79328, MedGen C2931006, MONDO:0012117, OMIM 608776.

Allele frequency attached by ClinVar (database versions not stated): 1000 Genomes Project 0.01657; 1000 Genomes Project 30x 0.01796; TOPMed 0.02435; gnomAD 0.02972 and 0.03051.

Submissions (2):

Illumina Laboratory Services, Illumina
Classification: Benign for ALG9 congenital disorder of glycosylation. Last evaluated: 2018-01-12. Review status: criteria provided, single submitter. Criteria: ICSL Variant Classification Criteria 13 December 2019. Collection method: clinical testing. Allele origin: germline.
Comment: This variant was observed in the ICSL laboratory as part of a predisposition screen in an ostensibly healthy population. It had not been previously curated by ICSL or reported in the Human Gene Mutation Database (HGMD: prior to June 1st, 2018), and was therefore a candidate for classification through an automated scoring system. Utilizing variant allele frequency, disease prevalence and penetrance estimates, and inheritance mode, an automated score was calculated to assess if this variant is too frequent to cause the disease. Based on the score and internal cut-off values, a variant classified as benign is not then subjected to further curation. The score for this variant resulted in a classification of benign for this disease.

Breakthrough Genomics
Classification: Benign. Review status: criteria provided, single submitter. Criteria: ACMG Guidelines, 2015. Collection method: not provided. Allele origin: germline. Inheritance: Autosomal recessive inheritance. Affected: yes.

NM_024740.2(ALG9):c.*1848G>A

Gene: ALG9 (ALG9 alpha-1,2-mannosyltransferase; minus strand). Cytogenetic location: 11q23.1.
Variant type: single nucleotide variant.
Coding change: c.*1848G>A on transcript NM_024740.2 (MANE Select); 1848 bases downstream of the stop codon, G replaced by A.
Molecular consequence: 3 prime UTR variant. On other transcripts: non-coding transcript variant (1).
Genome position (GRCh38, 1-based): chr11:111,784,549, C>T on the plus strand (G>A on the coding strand, the complement: ALG9 is on the minus strand). VCF-style: chr11-111784549-C-T. GRCh37 (hg19) VCF-style: chr11-111655273-C-T.
Other names: c.*1848G>A (NM_001077690.1, NM_001077691.2, NM_001077692.2 and 9 more transcripts); c.*1508G>A (NM_001352415.1, NM_001352416.1, NM_001352417.1 and 1 more transcripts); c.*1977G>A (NM_001352420.2); c.*1971G>A (NM_001352421.2).
Identifiers: ClinVar variation 302398 (VCV000302398.6), dbSNP rs45620134, ClinGen allele CA10629835.